The following is an entry in ClinVar:

NM_002354.3(EPCAM):c.379A>C (p.Thr127Pro)

Gene: EPCAM (epithelial cell adhesion molecule; plus strand). Cytogenetic location: 2p21.
Variant type: single nucleotide variant.
Coding change: c.379A>C on transcript NM_002354.3 (MANE Select); coding-DNA position 379, A replaced by C.
Protein change: p.Thr127Pro; replaces threonine 127 with proline.
Molecular consequence: missense variant.
Genome position (GRCh38, 1-based): chr2:47,374,002, A>C. VCF-style: chr2-47374002-A-C. GRCh37 (hg19) VCF-style: chr2-47601141-A-C.
Other names: short protein forms T127P.
Identifiers: ClinVar variation 2624803 (VCV002624803.2), dbSNP rs2103747858, ClinGen allele CA346723401.
Genomic context (GRCh38, chr2:47,374,002, plus strand): 5'-GCCAAGCAGTGCAACGGCACCTCCATGTGCTGGTGTGTGAACACTGCTGGGGTCAGAAGA[A>C]CAGACAAGGACACTGAAATAACCTGCTCTGAGCGAGTGAGAACCTAGTGAGTGGGGCTGC-3'
Protein context (NP_002345.2, residues 117-137): WCVNTAGVRR[Thr127Pro]DKDTEITCSE

ClinVar aggregate classification (germline): Uncertain significance (1 of 4 stars; one submission).

Conditions:
Hereditary cancer-predisposing syndrome. Also called: Tumor predisposition; Hereditary Cancer Syndrome; Hereditary neoplastic syndrome; Neoplastic Syndromes, Hereditary. Identifiers: Orphanet 140162, MedGen C0027672, MeSH D009386, MONDO:0015356.

Submission:

Ambry Genetics
Classification: Uncertain significance for Hereditary cancer-predisposing syndrome. Last evaluated: 2023-08-29. Review status: criteria provided, single submitter. Criteria: Ambry Variant Classification Scheme 2023. Collection method: clinical testing. Allele origin: germline.
Comment: The p.T127P variant (also known as c.379A>C), located in coding exon 3 of the EPCAM gene, results from an A to C substitution at nucleotide position 379. The threonine at codon 127 is replaced by proline, an amino acid with highly similar properties. This amino acid position is conserved. In addition, the in silico prediction for this alteration is inconclusive. Since supporting evidence is limited at this time, the clinical significance of this alteration remains unclear.